The following is an entry in ClinVar:

NM_012188.5(FOXI1):c.*440G>A

Gene: FOXI1 (forkhead box I1; plus strand). Cytogenetic location: 5q35.1.
Variant type: single nucleotide variant.
Coding change: c.*440G>A on transcript NM_012188.5 (MANE Select); 440 bases downstream of the stop codon, G replaced by A.
Molecular consequence: 3 prime UTR variant.
Genome position (GRCh38, 1-based): chr5:170,109,051, G>A. VCF-style: chr5-170109051-G-A. GRCh37 (hg19) VCF-style: chr5-169536055-G-A.
Other names: c.*440G>A (NM_144769.4).
Identifiers: ClinVar variation 352717 (VCV000352717.5), dbSNP rs6555887, ClinGen allele CA10621281.

ClinVar aggregate classification (germline): Benign (1 of 4 stars; one submission).

Conditions:
Autosomal recessive nonsyndromic hearing loss 4 (DFNB4). Also called: FOXI1-Related Pendred Syndrome; KCNJ10-Related Pendred Syndrome; DEAFNESS, AUTOSOMAL RECESSIVE 4, WITH ENLARGED VESTIBULAR AQUEDUCT, DIGENIC; NEUROSENSORY NONSYNDROMIC RECESSIVE DEAFNESS 4; Nonsyndromic enlarged vestibular aqueduct (NSEVA); Deafness, autosomal recessive 4, with enlarged vestibular aqueduct. Identifiers: Orphanet 90636, MedGen C3538946, MONDO:0010933, OMIM 600791.

Allele frequency attached by ClinVar (database versions not stated): gnomAD 0.89035 and 0.89434; TOPMed 0.89461; gnomAD exomes 0.90311; 1000 Genomes Project 30x 0.91302; 1000 Genomes Project 0.91673.
gnomAD v4.1: 144,717 of 161,822 alleles (89%); highest among the groups gnomAD compares: East Asian, 99%; 64,801 homozygotes.

Submission:

Illumina Laboratory Services, Illumina
Classification: Benign for Autosomal recessive nonsyndromic hearing loss 4. Last evaluated: 2018-01-13. Review status: criteria provided, single submitter. Criteria: ICSL Variant Classification Criteria 13 December 2019. Collection method: clinical testing. Allele origin: germline.
Comment: This variant was observed in the ICSL laboratory as part of a predisposition screen in an ostensibly healthy population. It had not been previously curated by ICSL or reported in the Human Gene Mutation Database (HGMD: prior to June 1st, 2018), and was therefore a candidate for classification through an automated scoring system. Utilizing variant allele frequency, disease prevalence and penetrance estimates, and inheritance mode, an automated score was calculated to assess if this variant is too frequent to cause the disease. Based on the score and internal cut-off values, a variant classified as benign is not then subjected to further curation. The score for this variant resulted in a classification of benign for this disease.